The following is an entry in ClinVar:

NM_014365.3(HSPB8):c.461T>C (p.Val154Ala)

Gene: HSPB8 (heat shock protein family B (small) member 8; plus strand). Cytogenetic location: 12q24.23.
Variant type: single nucleotide variant.
Coding change: c.461T>C on transcript NM_014365.3 (MANE Select); coding-DNA position 461, T replaced by C.
Protein change: p.Val154Ala; replaces valine 154 with alanine.
Molecular consequence: missense variant.
Genome position (GRCh38, 1-based): chr12:119,193,728, T>C. VCF-style: chr12-119193728-T-C. GRCh37 (hg19) VCF-style: chr12-119631533-T-C.
Other names: short protein forms V154A.
Identifiers: ClinVar variation 1006960 (VCV001006960.9), dbSNP rs1954726459, ClinGen allele CA386531991.
Genomic context (GRCh38, chr12:119,193,728, plus strand): 5'-ATAAATGAATAAAATCGTGTGTTTCTCCTAGGCTTCCTGCAGAGGTGGATCCTGTGACAG[T>C]ATTTGCCTCACTTTCCCCAGAGGGTCTGCTGATCATCGAAGCTCCCCAGGTCCCTCCTTA-3'
Protein context (NP_055180.1, residues 144-164): QLPAEVDPVT[Val154Ala]FASLSPEGLL

ClinVar aggregate classification (germline): Uncertain significance (1 of 4 stars; one submission).

Conditions:
Charcot-Marie-Tooth disease axonal type 2L. Also called: Charcot-Marie-Tooth Neuropathy Type 2L; CHARCOT-MARIE-TOOTH DISEASE, AXONAL, AUTOSOMAL DOMINANT, TYPE 2L; CHARCOT-MARIE-TOOTH NEUROPATHY, AXONAL, TYPE 2L. Identifiers: Orphanet 99945, MedGen C1837552, MONDO:0012096, OMIM 608673.

Allele frequency attached by ClinVar (database versions not stated): gnomAD exomes 0.00001.
gnomAD v4.1: 5 of 1,614,218 alleles (0.00031%); highest among the groups gnomAD compares: Non-Finnish European, 0.00042%; no homozygotes.

Submission:

Labcorp Genetics (formerly Invitae), Labcorp
Classification: Uncertain significance for Charcot-Marie-Tooth disease axonal type 2L. Last evaluated: 2020-06-11. Review status: criteria provided, single submitter. Criteria: Invitae Variant Classification Sherloc (09022015). Collection method: clinical testing. Allele origin: germline.
Comment: Algorithms developed to predict the effect of missense changes on protein structure and function (SIFT, PolyPhen-2, Align-GVGD) all suggest that this variant is likely to be disruptive, but these predictions have not been confirmed by published functional studies and their clinical significance is uncertain. This variant has not been reported in the literature in individuals with HSPB8-related conditions. In summary, the available evidence is currently insufficient to determine the role of this variant in disease. Therefore, it has been classified as a Variant of Uncertain Significance. This variant is not present in population databases (ExAC no frequency). This sequence change replaces valine with alanine at codon 154 of the HSPB8 protein (p.Val154Ala). The valine residue is highly conserved and there is a small physicochemical difference between valine and alanine.